The following is an entry in ClinVar:

ClinVar aggregate classification (germline): Conflicting classifications of pathogenicity. Review status: criteria provided, conflicting classifications (1 of 4 stars). 9 submissions from 9 submitters: Uncertain significance (6); Benign (1); Likely benign (2). Last evaluated 2026-02-03.

Conditions:
Birt-Hogg-Dube syndrome 1 (BHD1). Also called: FIBROFOLLICULOMAS WITH TRICHODISCOMAS AND ACROCHORDONS. Identifiers: Orphanet 122, MedGen CN375946, MONDO:0800445, OMIM 135150.
Hereditary cancer-predisposing syndrome. Also called: Tumor predisposition; Hereditary neoplastic syndrome; Neoplastic Syndromes, Hereditary; Hereditary Cancer Syndrome. Identifiers: Orphanet 140162, MedGen C0027672, MeSH D009386, MONDO:0015356.
Birt-Hogg-Dube syndrome. Also called: Birt Hogg Dubé syndrome. Identifiers: Orphanet 122, MedGen C0346010, MONDO:0800444.
Familial spontaneous pneumothorax (PSP). Identifiers: Orphanet 2903, MedGen C1868193, MONDO:0008259, OMIM 173600.
Nonpapillary renal cell carcinoma. Identifiers: Orphanet 422526, MedGen CN074294, MONDO:0007763, OMIM 144700.
Colorectal cancer. Also called: Colorectal cancer, somatic; Malignant Colorectal Neoplasm. Identifiers: MedGen C0346629, MONDO:0005575, OMIM 114500.

Allele frequency attached by ClinVar (database versions not stated): gnomAD 0.00003 and 0.00001; TOPMed 0.00004; ExAC 0.00005.
gnomAD v4.1: 28 of 1,614,110 alleles (0.0017%); highest among the groups gnomAD compares: Admixed American, 0.0033%; no homozygotes.

Submissions (9):

Labcorp Genetics (formerly Invitae), Labcorp
Classification: Uncertain significance for Birt-Hogg-Dube syndrome. Last evaluated: 2026-02-03. Review status: criteria provided, single submitter. Criteria: Invitae Variant Classification Sherloc (09022015). Collection method: clinical testing. Allele origin: germline.
Comment: This sequence change replaces asparagine, which is neutral and polar, with serine, which is neutral and polar, at codon 546 of the FLCN protein (p.Asn546Ser). This variant is present in population databases (rs775149348, gnomAD 0.006%). This variant has not been reported in the literature in individuals affected with FLCN-related conditions. ClinVar contains an entry for this variant (Variation ID: 485586). Invitae Evidence Modeling of protein sequence and biophysical properties (such as structural, functional, and spatial information, amino acid conservation, physicochemical variation, residue mobility, and thermodynamic stability) indicates that this missense variant is not expected to disrupt FLCN protein function with a negative predictive value of 80%. In summary, the available evidence is currently insufficient to determine the role of this variant in disease. Therefore, it has been classified as a Variant of Uncertain Significance.

Laboratorio de I+D, Fundación Centro Médico de Asturias
Classification: Likely benign for Hereditary cancer-predisposing syndrome. Last evaluated: 2025-07-10. Review status: criteria provided, single submitter. Criteria: ACMG Guidelines, 2015. Collection method: clinical testing. Allele origin: germline.
Comment: BP1+BP4

Quest Diagnostics Nichols Institute San Juan Capistrano
Classification: Uncertain significance. Last evaluated: 2025-04-11. Review status: criteria provided, single submitter. Criteria: Quest Diagnostics criteria. Collection method: clinical testing. Allele origin: unknown.
Comment: The FLCN c.1637A>G (p.Asn546Ser) variant has been reported in the published literature in the somatic state in an individual with stomach adenocarcinoma (PMID: 39659251 (2025)). The frequency of this variant in the general population (Genome Aggregation Database) is higher than would generally be expected for pathogenic variants in this gene. Analysis of this variant using bioinformatics tools for the prediction of the effect of amino acid changes on protein structure and function yielded conflicting predictions that this variant is benign or damaging. Based on the available information, we are unable to determine the clinical significance of this variant.

Center for Genomic Medicine, Rigshospitalet, Copenhagen University Hospital
Classification: Uncertain significance. Last evaluated: 2025-03-04. Review status: criteria provided, single submitter. Criteria: ACMG Guidelines, 2015. Collection method: clinical testing. Allele origin: germline.

Myriad Genetics, Inc.
Classification: Likely benign for Birt-Hogg-Dube syndrome 1. Last evaluated: 2024-10-28. Review status: criteria provided, single submitter. Criteria: Myriad Autosomal Dominant, Autosomal Recessive and X-Linked Classification Criteria (2023). Collection method: clinical testing. Allele origin: unknown.
Comment: This variant is considered likely benign. This variant has been observed at a population frequency that is significantly greater than expected given the associated disease prevalence and penetrance.

Fulgent Genetics
Classification: Uncertain significance for Colorectal cancer; Birt-Hogg-Dube syndrome 1; Nonpapillary renal cell carcinoma; Familial spontaneous pneumothorax. Last evaluated: 2024-05-07. Review status: criteria provided, single submitter. Criteria: ACMG Guidelines, 2015. Collection method: clinical testing. Allele origin: germline.

GeneDx
Classification: Uncertain significance. Last evaluated: 2024-03-03. Review status: criteria provided, single submitter. Criteria: GeneDx Variant Classification Process June 2021. Collection method: clinical testing. Allele origin: germline.
Comment: In silico analysis supports that this missense variant does not alter protein structure/function; Has not been previously published as pathogenic or benign to our knowledge; This variant is associated with the following publications: (PMID: 17028174)

Baylor Genetics
Classification: Uncertain significance for Birt-Hogg-Dube syndrome 1. Last evaluated: 2023-07-14. Review status: criteria provided, single submitter. Criteria: ACMG Guidelines, 2015. Collection method: clinical testing. Allele origin: unknown.

Ambry Genetics
Classification: Benign for Hereditary cancer-predisposing syndrome. Last evaluated: 2022-08-03. Review status: criteria provided, single submitter. Criteria: Ambry Variant Classification Scheme 2023. Collection method: clinical testing. Allele origin: germline.

Literature cited by the submitters: PubMed 39659251 (cited by Quest Diagnostics Nichols Institute San Juan Capistrano); PubMed 33137092 (cited by Quest Diagnostics Nichols Institute San Juan Capistrano).

NM_144997.7(FLCN):c.1637A>G (p.Asn546Ser)

Gene: FLCN (folliculin; minus strand). Cytogenetic location: 17p11.2.
Variant type: single nucleotide variant.
Coding change: c.1637A>G on transcript NM_144997.7 (MANE Select); coding-DNA position 1637, A replaced by G.
Protein change: p.Asn546Ser; replaces asparagine 546 with serine.
Molecular consequence: missense variant.
Genome position (GRCh38, 1-based): chr17:17,213,758, T>C on the plus strand (A>G on the coding strand, the complement: FLCN is on the minus strand). VCF-style: chr17-17213758-T-C. GRCh37 (hg19) VCF-style: chr17-17117072-T-C.
Other names: c.1691A>G, p.Asn564Ser (NM_001353229.2); c.1637A>G, p.Asn546Ser (NM_001353230.2, NM_001353231.2); c.1637A>G (NM_144997.6, LRG_325t1); short protein forms N546S, N564S.
Identifiers: ClinVar variation 485586 (VCV000485586.27), dbSNP rs775149348, ClinGen allele CA8415923.